The following is an entry in ClinVar:

ClinVar aggregate classification (germline): Likely pathogenic. Review status: reviewed by expert panel (3 of 4 stars). 2 submissions from 2 submitters: Likely pathogenic (1). 1 of the submissions does not count toward it. Last evaluated 2026-05-26.

Conditions:
ABCA4-related retinopathy. Also called: ABCA4-related retinoapthy; ABCA4 retinoapthy. Identifiers: MedGen CN322612, MONDO:0800406.

Allele frequency attached by ClinVar (database versions not stated): gnomAD exomes below 0.00001.
gnomAD v4.1: 1 of 1,614,140 alleles (0.000062%); highest among the groups gnomAD compares: Non-Finnish European, 0.000085%; no homozygotes.

Submissions (2):

ClinGen ABCA4 Variant Curation Expert Panel, Clingen
Classification: Likely pathogenic for ABCA4-related retinopathy. Last evaluated: 2026-05-26. Review status: reviewed by expert panel. Criteria: ClinGen ABCA4 ACMG Specifications V1.0.0. Collection method: curation. Allele origin: germline. Inheritance: Autosomal recessive inheritance.
Comment: The NM_000350.3(ABCA4):c.6121G>A variant in ABCA4 is a missense variant predicted to cause substitution of glycine by serine at amino acid 2041; p.Gly2041Ser. The total minor allele frequency in gnomAD v4.1.0 is 0.0000006195 (1/1614140 alleles), which is lower than the ClinGen ABCA4 VCEP’s threshold for PM2_Supporting (<0.0001). The computational predictor REVEL gives a score of 0.935 which is above the threshold of >0.772 meeting PP3_Moderate. Another missense variant, c.6122G>A; p.Gly2041Asp (ClinVar Variation ID 1048145), in the same codon has been classified as pathogenic for ABCA4-related retinopathy by the ClinGen ABCA4 VCEP meeting PM5. At least one patient with this variant displayed presence of at least two ABCA4 variants, onset under 18 years of age, macular flecks on imaging, macular atrophy, and decreased vision acuity, which is highly specific for ABCA4-related retinopathy (PP4, ClinVar SCV002182102.4, Invitae). In summary, this variant meets the criteria to be classified as likely pathogenic for ABCA4-related retinopathy based on the ACMG/AMP criteria applied, as specified by the ClinGen ABCA4 VCEP (Specification Version 1.0.0): PM5, PP3_Moderate, PP4, PM2_Supporting.

Labcorp Genetics (formerly Invitae), Labcorp
Classification: Pathogenic. Last evaluated: 2022-09-01. Review status: criteria provided, single submitter. Criteria: Invitae Variant Classification Sherloc (09022015). Collection method: clinical testing. Allele origin: germline. Not counted in ClinVar's aggregate classification.
Comment: Algorithms developed to predict the effect of sequence changes on RNA splicing suggest that this variant may create or strengthen a splice site. For these reasons, this variant has been classified as Pathogenic. This variant disrupts the p.Gly2041 amino acid residue in ABCA4. Other variant(s) that disrupt this residue have been determined to be pathogenic (PMID: 33546218; Invitae). This suggests that this residue is clinically significant, and that variants that disrupt this residue are likely to be disease-causing. Advanced modeling of protein sequence and biophysical properties (such as structural, functional, and spatial information, amino acid conservation, physicochemical variation, residue mobility, and thermodynamic stability) performed at Invitae indicates that this missense variant is expected to disrupt ABCA4 protein function. ClinVar contains an entry for this variant (Variation ID: 1410089). This missense change has been observed in individual(s) with Stargardt disease (Invitae). This variant is not present in population databases (gnomAD no frequency). This sequence change replaces glycine, which is neutral and non-polar, with serine, which is neutral and polar, at codon 2041 of the ABCA4 protein (p.Gly2041Ser).

Literature cited by the submitters: PubMed 33546218 (cited by Labcorp Genetics (formerly Invitae), Labcorp).

NM_000350.3(ABCA4):c.6121G>A (p.Gly2041Ser)

Gene: ABCA4 (ATP binding cassette subfamily A member 4; minus strand). Cytogenetic location: 1p22.1.
Variant type: single nucleotide variant.
Coding change: c.6121G>A on transcript NM_000350.3 (MANE Select); coding-DNA position 6121, G replaced by A.
Protein change: p.Gly2041Ser; replaces glycine 2041 with serine.
Molecular consequence: missense variant.
Genome position (GRCh38, 1-based): chr1:94,005,467, C>T on the plus strand (G>A on the coding strand, the complement: ABCA4 is on the minus strand). VCF-style: chr1-94005467-C-T. GRCh37 (hg19) VCF-style: chr1-94471023-C-T.
Other names: NM_000350.3(ABCA4):c.6121G>A; p.Gly2041Ser; c.5899G>A, p.Gly1967Ser (NM_001425324.1); short protein forms G2041S, G1967S.
Identifiers: ClinVar variation 1410089 (VCV001410089.7), dbSNP rs2101000357, ClinGen allele CA341278913.